The following is an entry in ClinVar:

NM_001330588.2(TPP2):c.969T>A (p.Asp323Glu)

Gene: TPP2 (tripeptidyl peptidase 2; plus strand). Cytogenetic location: 13q33.1.
Variant type: single nucleotide variant.
Coding change: c.969T>A on transcript NM_001330588.2 (MANE Select); coding-DNA position 969, T replaced by A.
Protein change: p.Asp323Glu; replaces aspartic acid 323 with glutamic acid.
Molecular consequence: missense variant. On other transcripts: non-coding transcript variant (1).
Genome position (GRCh38, 1-based): chr13:102,627,877, T>A. VCF-style: chr13-102627877-T-A. GRCh37 (hg19) VCF-style: chr13-103280227-T-A.
Other names: c.969T>A, p.Asp323Glu (NM_001367947.1, NM_003291.4); short protein forms D323E.
Identifiers: ClinVar variation 839963 (VCV000839963.7), dbSNP rs375554661, ClinGen allele CA7037635.

ClinVar aggregate classification (germline): Uncertain significance (1 of 4 stars; one submission).

Conditions:
Evans syndrome, immunodeficiency, and premature immunosenescence associated with tripeptidyl-peptidase II deficiency. Identifiers: MedGen CN231723. Disease mechanism: loss of function.

Allele frequency attached by ClinVar (database versions not stated): TOPMed below 0.00001; ExAC 0.00001; gnomAD exomes 0.00001; ESP Exome Variant Server 0.00008.
gnomAD v4.1: 10 of 1,613,632 alleles (0.00062%); highest among the groups gnomAD compares: South Asian, 0.0011%; no homozygotes.

Submission:

Labcorp Genetics (formerly Invitae), Labcorp
Classification: Uncertain significance for Evans syndrome, immunodeficiency, and premature immunosenescence associated with tripeptidyl-peptidase II deficiency. Last evaluated: 2021-08-30. Review status: criteria provided, single submitter. Criteria: Invitae Variant Classification Sherloc (09022015). Collection method: clinical testing. Allele origin: germline.
Comment: This sequence change replaces aspartic acid with glutamic acid at codon 323 of the TPP2 protein (p.Asp323Glu). The aspartic acid residue is highly conserved and there is a small physicochemical difference between aspartic acid and glutamic acid. This variant is present in population databases (rs375554661, ExAC 0.002%). This variant has not been reported in the literature in individuals affected with TPP2-related conditions. Algorithms developed to predict the effect of missense changes on protein structure and function are either unavailable or do not agree on the potential impact of this missense change (SIFT: "Deleterious"; PolyPhen-2: "Probably Damaging"; Align-GVGD: "Class C0"). In summary, the available evidence is currently insufficient to determine the role of this variant in disease. Therefore, it has been classified as a Variant of Uncertain Significance.